The following is an entry in ClinVar:

NM_022042.4(SLC26A1):c.1511G>A (p.Arg504His)

Genes: IDUA (alpha-L-iduronidase; plus strand), SLC26A1 (solute carrier family 26 member 1; minus strand). Cytogenetic location: 4p16.3.
Variant type: single nucleotide variant.
Coding change: c.1511G>A on transcript NM_022042.4 (MANE Select); coding-DNA position 1511, G replaced by A.
Protein change: p.Arg504His; replaces arginine 504 with histidine.
Molecular consequence: missense variant. On other transcripts: intron variant (2).
Genome position (GRCh38, 1-based): chr4:989,428, C>T on the plus strand (G>A on the coding strand, the complement: SLC26A1 is on the minus strand). VCF-style: chr4-989428-C-T. GRCh37 (hg19) VCF-style: chr4-983216-C-T.
Other names: c.1511G>A, p.Arg504His (NM_213613.4); c.576+1700G>A (NM_134425.4); c.299+1479C>T (NM_000203.5); c.1511G>A (NM_022042.3); short protein forms R504H.
Identifiers: ClinVar variation 725873 (VCV000725873.33), dbSNP rs201106151, ClinGen allele CA2801364.

ClinVar aggregate classification (germline): Likely benign. Review status: criteria provided, multiple submitters, no conflicts (2 of 4 stars). 5 submissions from 5 submitters: Likely benign (5). Last evaluated 2026-09-08.

Conditions:
Nephrolithiasis, calcium oxalate. Also called: Calcium oxalate urolithiasis. Identifiers: MedGen C1833683, MONDO:0957318, HP:0008672.
SLC26A1-related disorder. Also called: SLC26A1-related condition.

Allele frequency attached by ClinVar (database versions not stated): gnomAD exomes 0.00047; ExAC 0.00092; 1000 Genomes Project 0.00120; gnomAD 0.00139 and 0.00150; ESP Exome Variant Server 0.00155; 1000 Genomes Project 30x 0.00141; TOPMed 0.00147.
gnomAD v4.1: 466 of 1,554,954 alleles (0.03%); highest among the groups gnomAD compares: African/African-American, 0.42%; 2 homozygotes.

Submissions (5):

PreventionGenetics, part of Exact Sciences
Classification: Likely benign for SLC26A1-related condition. Last evaluated: 2026-09-08. Review status: criteria provided, single submitter. Criteria: ACMG Guidelines, 2015. Collection method: clinical testing. Allele origin: germline.
Comment: This variant is classified as likely benign based on ACMG/AMP sequence variant interpretation guidelines (Richards et al. 2015 PMID: 25741868, with internal and published modifications).

Labcorp Genetics (formerly Invitae), Labcorp
Classification: Likely benign. Last evaluated: 2025-09-06. Review status: criteria provided, single submitter. Criteria: Invitae Variant Classification Sherloc (09022015). Collection method: clinical testing. Allele origin: germline.

CeGaT Center for Human Genetics Tuebingen
Classification: Likely benign. Last evaluated: 2023-12-01. Review status: criteria provided, single submitter. Criteria: CeGaT Center For Human Genetics Tuebingen Variant Classification Criteria Version 2. Collection method: clinical testing. Allele origin: germline. Affected: yes. Observed: 1 variant allele.
Comment: SLC26A1: BS2

Fulgent Genetics
Classification: Likely benign for Nephrolithiasis susceptibility caused by SLC26A1. Last evaluated: 2021-11-05. Review status: criteria provided, single submitter. Criteria: ACMG Guidelines, 2015. Collection method: clinical testing. Allele origin: unknown.

Breakthrough Genomics
Classification: Likely benign. Review status: criteria provided, single submitter. Criteria: ACMG Guidelines, 2015. Collection method: not provided. Allele origin: germline. Inheritance: Autosomal recessive inheritance. Affected: yes.